The following is an entry in ClinVar:

NM_000088.4(COL1A1):c.299-1G>A

Gene: COL1A1 (collagen type I alpha 1 chain; minus strand). Cytogenetic location: 17q21.33.
Variant type: single nucleotide variant.
Coding change: c.299-1G>A on transcript NM_000088.4 (MANE Select); the canonical splice acceptor site of the intron before coding-DNA position 299, G replaced by A.
Molecular consequence: splice acceptor variant.
Genome position (GRCh38, 1-based): chr17:50,199,591, C>T on the plus strand (G>A on the coding strand, the complement: COL1A1 is on the minus strand). VCF-style: chr17-50199591-C-T. GRCh37 (hg19) VCF-style: chr17-48276952-C-T.
Identifiers: ClinVar variation 804566 (VCV000804566.4), dbSNP rs1598301619, ClinGen allele CA400227953.

ClinVar aggregate classification (germline): Pathogenic. Review status: criteria provided, multiple submitters, no conflicts (2 of 4 stars). 3 submissions from 3 submitters: Pathogenic (3). Last evaluated 2025-06-18.

Conditions:
Osteogenesis imperfecta type I (OI1). Also called: Lobstein disease; OI, TYPE I; OSTEOGENESIS IMPERFECTA TARDA; OSTEOGENESIS IMPERFECTA WITH BLUE SCLERAE; Lobstein's Disease; Osteogenesis imperfecta type 1. Identifiers: Orphanet 216796, Orphanet 666, MedGen C0023931, MONDO:0008146, OMIM 166200. Disease mechanism: loss of function.

Submissions (3):

Clinical Biomedical Laboratory, Shriners Hospital For Children - Canada
Classification: Pathogenic for Osteogenesis imperfecta type I. Last evaluated: 2025-06-18. Review status: criteria provided, single submitter. Criteria: ACMG Guidelines, 2015. Collection method: clinical testing. Allele origin: germline. Affected: yes.
Comment: This variant affects a canonical splice site in COL1A1. The variant is not present in the gnomAD database (version 2.1.1) and is predicted to affect splicing by SpliceAI. Splice site variants in COL1A1 are a typical cause of osteogenesis imperfecta. The variant has been reported as a cause of osteogenesis imperfecta in the literature (PMID 25963598).

Labcorp Genetics (formerly Invitae), Labcorp
Classification: Pathogenic for Osteogenesis imperfecta type I. Last evaluated: 2024-12-30. Review status: criteria provided, single submitter. Criteria: Invitae Variant Classification Sherloc (09022015). Collection method: clinical testing. Allele origin: germline.
Comment: This sequence change affects an acceptor splice site in intron 2 of the COL1A1 gene. It is expected to disrupt RNA splicing. Variants that disrupt the donor or acceptor splice site typically lead to a loss of protein function (PMID: 16199547), and loss-of-function variants in COL1A1 are known to be pathogenic (PMID: 7942841, 9295084, 9443882). This variant is not present in population databases (gnomAD no frequency). Disruption of this splice site has been observed in individuals with osteogenesis imperfecta (PMID: 25963598). ClinVar contains an entry for this variant (Variation ID: 804566). Algorithms developed to predict the effect of sequence changes on RNA splicing suggest that this variant may disrupt the consensus splice site. For these reasons, this variant has been classified as Pathogenic.

Athena Diagnostics
Classification: Pathogenic. Last evaluated: 2018-09-30. Review status: criteria provided, single submitter. Criteria: Athena Diagnostics Criteria. Collection method: clinical testing. Allele origin: germline.
Comment: The variant disrupts a canonical splice site, and is therefore predicted to significantly disrupt the protein structure. Found in at least one symptomatic patient, and not found in general population data.

Literature cited by the submitters: PubMed 25963598 (cited by 3 submitters); PubMed 16199547 (cited by Labcorp Genetics (formerly Invitae), Labcorp); PubMed 7942841 (cited by Labcorp Genetics (formerly Invitae), Labcorp); PubMed 9295084 (cited by Labcorp Genetics (formerly Invitae), Labcorp); PubMed 9443882 (cited by Labcorp Genetics (formerly Invitae), Labcorp).